The following is an entry in ClinVar:

NM_012086.5(GTF3C3):c.2469G>C (p.Gln823His)

Gene: GTF3C3 (general transcription factor IIIC subunit 3; minus strand). Cytogenetic location: 2q33.1.
Variant type: single nucleotide variant.
Coding change: c.2469G>C on transcript NM_012086.5 (MANE Select); coding-DNA position 2469, G replaced by C.
Protein change: p.Gln823His; replaces glutamine 823 with histidine.
Molecular consequence: missense variant.
Genome position (GRCh38, 1-based): chr2:196,766,634, C>G on the plus strand (G>C on the coding strand, the complement: GTF3C3 is on the minus strand). VCF-style: chr2-196766634-C-G. GRCh37 (hg19) VCF-style: chr2-197631358-C-G.
Other names: short protein forms Q823H.
Identifiers: ClinVar variation 3363140 (VCV003363140.1).

ClinVar aggregate classification (germline): Uncertain significance (1 of 4 stars; one submission).

Conditions:
Chromosome 2q32-q33 deletion syndrome (GLASS). Also called: Glass syndrome; 2q33.1 deletion syndrome. Identifiers: Orphanet 251019, MedGen C2676739, MONDO:0012864, OMIM 612313.

Submission:

Genomic Medicine Center of Excellence, King Faisal Specialist Hospital and Research Centre
Classification: Uncertain significance for Chromosome 2q32-q33 deletion syndrome. Last evaluated: 2024-10-13. Review status: criteria provided, single submitter. Criteria: ACMG Guidelines, 2015. Collection method: clinical testing. Allele origin: germline.
Comment: This variant (GRCh38; NM_012086.5:c.2469G>C:p.Gln823His) results in a missense mutation with the conversion of Glutamine (Polar amino acid) to Histidine (Basic amino acid) in the GTF3C3 protein. Not observed at significant frequency in large population cohorts (gnomAD). This variant is associated with the following publications: PubMed: PMID: 28940097, 30552426, 20034071 Based on conflicting evidence or insufficient data to determine whether the variant is benign or pathogenic, the clinical significance of this alteration remains unclear. In summary, this variant meets our criteria for classification as of Unknown Clinical Significance based on the evidence outlined.